The following is an entry in ClinVar:

ClinVar aggregate classification (germline): Uncertain significance. Review status: criteria provided, multiple submitters, no conflicts (2 of 4 stars). 2 submissions from 2 submitters: Uncertain significance (2). Last evaluated 2025-10-02.

Conditions:
Inborn genetic diseases. Identifiers: MedGen C0950123, MeSH D030342.

Allele frequency attached by ClinVar (database versions not stated): gnomAD exomes below 0.00001; TOPMed 0.00001; gnomAD 0.00001.
gnomAD v4.1: 5 of 1,613,670 alleles (0.00031%); highest among the groups gnomAD compares: Admixed American, 0.0017%; no homozygotes.

Submissions (2):

Ambry Genetics
Classification: Uncertain significance for Inborn genetic diseases. Last evaluated: 2025-10-02. Review status: criteria provided, single submitter. Criteria: Ambry Variant Classification Scheme 2023. Collection method: clinical testing. Allele origin: germline.

Labcorp Genetics (formerly Invitae), Labcorp
Classification: Uncertain significance. Last evaluated: 2022-04-05. Review status: criteria provided, single submitter. Criteria: Invitae Variant Classification Sherloc (09022015). Collection method: clinical testing. Allele origin: germline.
Comment: In summary, the available evidence is currently insufficient to determine the role of this variant in disease. Therefore, it has been classified as a Variant of Uncertain Significance. Algorithms developed to predict the effect of missense changes on protein structure and function are either unavailable or do not agree on the potential impact of this missense change (SIFT: "Not Available"; PolyPhen-2: "Probably Damaging"; Align-GVGD: "Not Available"). This variant has not been reported in the literature in individuals affected with ADAMTS17-related conditions. This variant is present in population databases (no rsID available, gnomAD no frequency). This sequence change replaces cysteine, which is neutral and slightly polar, with tyrosine, which is neutral and polar, at codon 921 of the ADAMTS17 protein (p.Cys921Tyr).

NM_139057.4(ADAMTS17):c.2762G>A (p.Cys921Tyr)

Gene: ADAMTS17 (ADAM metallopeptidase with thrombospondin type 1 motif 17; minus strand). Cytogenetic location: 15q26.3.
Variant type: single nucleotide variant.
Coding change: c.2762G>A on transcript NM_139057.4 (MANE Select); coding-DNA position 2762, G replaced by A.
Protein change: p.Cys921Tyr; replaces cysteine 921 with tyrosine.
Molecular consequence: missense variant.
Genome position (GRCh38, 1-based): chr15:99,997,419, C>T on the plus strand (G>A on the coding strand, the complement: ADAMTS17 is on the minus strand). VCF-style: chr15-99997419-C-T. GRCh37 (hg19) VCF-style: chr15-100537624-C-T.
Other names: c.2762G>A (NM_139057.2); short protein forms C921Y.
Identifiers: ClinVar variation 1951877 (VCV001951877.4), dbSNP rs1462774884, ClinGen allele CA393694069.